The following is an entry in ClinVar:

ClinVar aggregate classification (germline): Uncertain significance (1 of 4 stars; one submission).

Allele frequency attached by ClinVar (database versions not stated): gnomAD exomes below 0.00001; TOPMed 0.00001.
gnomAD v4.1: 4 of 1,550,040 alleles (0.00026%); highest among the groups gnomAD compares: Admixed American, 0.0039%; no homozygotes.

Submission:

Labcorp Genetics (formerly Invitae), Labcorp
Classification: Uncertain significance. Last evaluated: 2021-12-20. Review status: criteria provided, single submitter. Criteria: Invitae Variant Classification Sherloc (09022015). Collection method: clinical testing. Allele origin: germline.
Comment: In summary, the available evidence is currently insufficient to determine the role of this variant in disease. Therefore, it has been classified as a Variant of Uncertain Significance. Algorithms developed to predict the effect of missense changes on protein structure and function are either unavailable or do not agree on the potential impact of this missense change (SIFT: "Tolerated"; PolyPhen-2: "Probably Damaging"; Align-GVGD: "Class C0"). This variant has not been reported in the literature in individuals affected with EYS-related conditions. This variant is not present in population databases (gnomAD no frequency). This sequence change replaces leucine, which is neutral and non-polar, with isoleucine, which is neutral and non-polar, at codon 1014 of the EYS protein (p.Leu1014Ile).

NM_001142800.2(EYS):c.3040C>A (p.Leu1014Ile)

Gene: EYS (EGF-like photoreceptor maintenance factor; minus strand). Cytogenetic location: 6q12.
Variant type: single nucleotide variant.
Coding change: c.3040C>A on transcript NM_001142800.2 (MANE Select); coding-DNA position 3040, C replaced by A.
Protein change: p.Leu1014Ile; replaces leucine 1014 with isoleucine.
Molecular consequence: missense variant.
Genome position (GRCh38, 1-based): chr6:64,822,775, G>T on the plus strand (C>A on the coding strand, the complement: EYS is on the minus strand). VCF-style: chr6-64822775-G-T. GRCh37 (hg19) VCF-style: chr6-65532668-G-T.
Other names: c.3040C>A, p.Leu1014Ile (NM_001292009.2); short protein forms L1014I.
Identifiers: ClinVar variation 1928289 (VCV001928289.5), dbSNP rs1190302234, ClinGen allele CA364787906.